The following is an entry in ClinVar:

ClinVar aggregate classification (germline): Uncertain significance (1 of 4 stars; one submission).

Conditions:
Catecholaminergic polymorphic ventricular tachycardia 1. Also called: VENTRICULAR TACHYCARDIA, STRESS-INDUCED POLYMORPHIC 1; RYR2-Related Catecholaminergic Polymorphic Ventricular Tachycardia; VENTRICULAR TACHYCARDIA, CATECHOLAMINERGIC POLYMORPHIC, 1, WITH OR WITHOUT ATRIAL DYSFUNCTION AND/OR DILATED CARDIOMYOPATHY. Identifiers: Orphanet 3286, MedGen C1631597, MONDO:0011484, OMIM 604772.

Submission:

Labcorp Genetics (formerly Invitae), Labcorp
Classification: Uncertain significance for Catecholaminergic polymorphic ventricular tachycardia 1. Last evaluated: 2019-09-19. Review status: criteria provided, single submitter. Criteria: Invitae Variant Classification Sherloc (09022015). Collection method: clinical testing. Allele origin: germline.
Comment: In summary, the available evidence is currently insufficient to determine the role of this variant in disease. Therefore, it has been classified as a Variant of Uncertain Significance. Algorithms developed to predict the effect of missense changes on protein structure and function output the following: SIFT: "Deleterious"; PolyPhen-2: "Benign"; Align-GVGD: "Class C0". The isoleucine amino acid residue is found in multiple mammalian species, suggesting that this missense change does not adversely affect protein function. These predictions have not been confirmed by published functional studies and their clinical significance is uncertain. This variant has not been reported in the literature in individuals with RYR2-related conditions. This variant is not present in population databases (ExAC no frequency). This sequence change replaces methionine with isoleucine at codon 3231 of the RYR2 protein (p.Met3231Ile). The methionine residue is highly conserved and there is a small physicochemical difference between methionine and isoleucine.

NM_001035.3(RYR2):c.9693G>T (p.Met3231Ile)

Gene: RYR2 (ryanodine receptor 2; plus strand). Cytogenetic location: 1q43.
Variant type: single nucleotide variant.
Coding change: c.9693G>T on transcript NM_001035.3 (MANE Select); coding-DNA position 9693, G replaced by T.
Protein change: p.Met3231Ile; replaces methionine 3231 with isoleucine.
Molecular consequence: missense variant.
Genome position (GRCh38, 1-based): chr1:237,707,061, G>T. VCF-style: chr1-237707061-G-T. GRCh37 (hg19) VCF-style: chr1-237870361-G-T.
Other names: short protein forms M3231I.
Identifiers: ClinVar variation 955347 (VCV000955347.11), dbSNP rs748858246, ClinGen allele CA345408580.
Genomic context (GRCh38, chr1:237,707,061, plus strand): 5'-GGAGAAACTCATGGAAGAAATCGTGGAATTAGCCGAGTCCGGCATTCGCTACACTCAAAT[G>T]CCACATGTCATGGAAGTCATACTGCCCATGCTTTGCAGCTACATGTCTCGTTGGTGGGAG-3'
Protein context (NP_001026.2, residues 3221-3241): LAESGIRYTQ[Met3231Ile]PHVMEVILPM